The following is an entry in ClinVar:

ClinVar aggregate classification (germline): Conflicting classifications of pathogenicity. Review status: criteria provided, conflicting classifications (1 of 4 stars). 4 submissions from 4 submitters: Uncertain significance (3); Likely benign (1). Last evaluated 2026-09-09.

Conditions:
TTN-related disorder. Also called: TTN-related condition; TTN-related disease; TTN-related disorders.
Cardiovascular phenotype. Identifiers: MedGen CN230736.
Autosomal recessive limb-girdle muscular dystrophy type 2J (LGMDR10). Also called: Limb-girdle muscular dystrophy, type 2J; MUSCULAR DYSTROPHY, LIMB-GIRDLE, AUTOSOMAL RECESSIVE 10. Identifiers: Orphanet 140922, MedGen C1837342, MONDO:0012127, OMIM 608807.
Dilated cardiomyopathy 1G (CMD1G). Identifiers: Orphanet 154, MedGen C1858763, MONDO:0011400, OMIM 604145.

Allele frequency attached by ClinVar (database versions not stated): gnomAD exomes 0.00001 and 0.00002; ExAC 0.00002; ESP Exome Variant Server 0.00008; gnomAD 0.00012 and 0.00013; TOPMed 0.00012.
gnomAD v4.1: 29 of 1,613,348 alleles (0.0018%); highest among the groups gnomAD compares: African/African-American, 0.039%; no homozygotes.

Submissions (4):

PreventionGenetics, part of Exact Sciences
Classification: Uncertain significance for TTN-related condition. Last evaluated: 2026-09-09. Review status: criteria provided, single submitter. Criteria: ACMG Guidelines, 2015. Collection method: clinical testing. Allele origin: germline.
Comment: The TTN c.12011A>G variant is predicted to result in the amino acid substitution p.Glu4004Gly. To our knowledge, this variant has not been reported in the literature. This variant is reported in 0.037% of alleles in individuals of African descent in gnomAD. At this time, the clinical significance of this variant is uncertain due to the absence of conclusive functional and genetic evidence.

Ambry Genetics
Classification: Uncertain significance for Cardiovascular phenotype. Last evaluated: 2019-12-26. Review status: criteria provided, single submitter. Criteria: Ambry Variant Classification Scheme 2023. Collection method: clinical testing. Allele origin: germline.
Comment: The p.E3641G variant (also known as c.10922A>G), located in coding exon 44 of the TTN gene, results from an A to G substitution at nucleotide position 10922. The glutamic acid at codon 3641 is replaced by glycine, an amino acid with similar properties. This amino acid position is not well conserved in available vertebrate species. In addition, this alteration is predicted to be tolerated by in silico analysis. Since supporting evidence is limited at this time, the clinical significance of this alteration remains unclear.

GeneDx
Classification: Likely benign. Last evaluated: 2019-08-13. Review status: criteria provided, single submitter. Criteria: GeneDx Variant Classification Process June 2021. Collection method: clinical testing. Allele origin: germline. Affected: yes.

Labcorp Genetics (formerly Invitae), Labcorp
Classification: Uncertain significance for Dilated cardiomyopathy 1G; Autosomal recessive limb-girdle muscular dystrophy type 2J. Last evaluated: 2017-02-15. Review status: criteria provided, single submitter. Criteria: Invitae Variant Classification Sherloc (09022015). Collection method: clinical testing. Allele origin: germline.

NM_001267550.2(TTN):c.12011A>G (p.Glu4004Gly)

Gene: TTN (titin; minus strand). Cytogenetic location: 2q31.2.
Variant type: single nucleotide variant.
Coding change: c.12011A>G on transcript NM_001267550.2 (MANE Select); coding-DNA position 12011, A replaced by G.
Protein change: p.Glu4004Gly; replaces glutamic acid 4004 with glycine.
Molecular consequence: missense variant. On other transcripts: intron variant (1).
Genome position (GRCh38, 1-based): chr2:178,741,222, T>C on the plus strand (A>G on the coding strand, the complement: TTN is on the minus strand). VCF-style: chr2-178741222-T-C. GRCh37 (hg19) VCF-style: chr2-179605949-T-C.
Other names: c.11060A>G, p.Glu3687Gly (NM_001256850.1); c.10922A>G, p.Glu3641Gly (NM_003319.4); c.11297A>G, p.Glu3766Gly (NM_133432.3); c.11498A>G, p.Glu3833Gly (NM_133437.4); c.10361-2862A>G (NM_133378.4); short protein forms E4004G, E3687G, E3766G, E3833G, E3641G.
Identifiers: ClinVar variation 466795 (VCV000466795.9), dbSNP rs376000381, ClinGen allele CA2002775.